The following is an entry in ClinVar:

ClinVar aggregate classification (germline): Uncertain significance (1 of 4 stars; one submission).

Conditions:
Dilated cardiomyopathy 1KK (CMD1KK). Identifiers: Orphanet 154, Orphanet 75249, MedGen C3714995, MONDO:0014100, OMIM 615248.

Allele frequency attached by ClinVar (database versions not stated): gnomAD exomes 0.00001.
gnomAD v4.1: 4 of 1,614,038 alleles (0.00025%); highest among the groups gnomAD compares: Middle Eastern, 0.016%; no homozygotes.

Submission:

Labcorp Genetics (formerly Invitae), Labcorp
Classification: Uncertain significance for Dilated cardiomyopathy 1KK. Last evaluated: 2022-11-08. Review status: criteria provided, single submitter. Criteria: Invitae Variant Classification Sherloc (09022015). Collection method: clinical testing. Allele origin: germline.
Comment: In summary, the available evidence is currently insufficient to determine the role of this variant in disease. Therefore, it has been classified as a Variant of Uncertain Significance. Algorithms developed to predict the effect of missense changes on protein structure and function (SIFT, PolyPhen-2, Align-GVGD) all suggest that this variant is likely to be tolerated. This variant has not been reported in the literature in individuals affected with MYPN-related conditions. This variant is not present in population databases (gnomAD no frequency). This sequence change replaces proline, which is neutral and non-polar, with serine, which is neutral and polar, at codon 689 of the MYPN protein (p.Pro689Ser).

NM_032578.4(MYPN):c.2065C>T (p.Pro689Ser)

Gene: MYPN (myopalladin; plus strand). Cytogenetic location: 10q21.3.
Variant type: single nucleotide variant.
Coding change: c.2065C>T on transcript NM_032578.4 (MANE Select); coding-DNA position 2065, C replaced by T.
Protein change: p.Pro689Ser; replaces proline 689 with serine.
Molecular consequence: missense variant. On other transcripts: non-coding transcript variant (2).
Genome position (GRCh38, 1-based): chr10:68,174,157, C>T. VCF-style: chr10-68174157-C-T. GRCh37 (hg19) VCF-style: chr10-69933914-C-T.
Other names: c.2065C>T, p.Pro689Ser (NM_001256267.2); c.1183C>T, p.Pro395Ser (NM_001256268.2); short protein forms P689S, P395S.
Identifiers: ClinVar variation 2089002 (VCV002089002.4), dbSNP rs1564680440, ClinGen allele CA376844226.